The following is an entry in ClinVar:

ClinVar aggregate classification (germline): Pathogenic (1 of 4 stars; one submission).

Conditions:
Hereditary breast ovarian cancer syndrome. Also called: Breast and ovarian cancer; BRCA1- and BRCA2-Associated Hereditary Breast and Ovarian Cancer; Hereditary breast and ovarian cancer syndrome; Hereditary breast and/or ovarian cancer syndrome; Hereditary breast and ovarian cancer; Hereditary breast and ovarian cancer syndrome (HBOC). Identifiers: Orphanet 145, MedGen C0677776, MeSH D061325, MONDO:0003582. Disease mechanism: loss of function.

Submission:

Labcorp Genetics (formerly Invitae), Labcorp
Classification: Pathogenic for Hereditary breast ovarian cancer syndrome. Last evaluated: 2021-03-26. Review status: criteria provided, single submitter. Criteria: Invitae Variant Classification Sherloc (09022015). Collection method: clinical testing. Allele origin: germline.
Comment: For these reasons, this variant has been classified as Pathogenic. Loss-of-function variants in BRCA1 are known to be pathogenic (PMID: 20104584). This variant has not been reported in the literature in individuals with BRCA1-related conditions. This variant is an out-of-frame deletion of the genomic region encompassing exon 11 of the BRCA1 gene. This is expected to create a premature translational stop signal and result in an absent or disrupted protein product.

Literature cited by the submitters: PubMed 20104584.

NC_000017.10:g.(?_41242941)_(41243069_?)del

Gene: BRCA1 (BRCA1 DNA repair associated; minus strand). Cytogenetic location: 17q21.31.
Variant type: Deletion.
Identifiers: ClinVar variation 1068882 (VCV001068882.3).